The following is an entry in ClinVar:

ClinVar aggregate classification (germline): Uncertain significance (1 of 4 stars; one submission).

Submission:

GeneDx
Classification: Uncertain significance. Last evaluated: 2025-05-31. Review status: criteria provided, single submitter. Criteria: GeneDx Variant Classification Process June 2021. Collection method: clinical testing. Allele origin: germline. Affected: yes.
Comment: Not observed at significant frequency in large population cohorts (gnomAD); In silico analysis supports that this missense variant has a deleterious effect on protein structure/function; Has not been previously published as pathogenic or benign to our knowledge

NM_001366145.2(TRPM3):c.3305C>T (p.Pro1102Leu)

Gene: TRPM3 (transient receptor potential cation channel subfamily M member 3; minus strand). Cytogenetic location: 9q21.12.
Variant type: single nucleotide variant.
Coding change: c.3305C>T on transcript NM_001366145.2 (MANE Select); coding-DNA position 3305, C replaced by T.
Protein change: p.Pro1102Leu; replaces proline 1102 with leucine.
Molecular consequence: missense variant.
Genome position (GRCh38, 1-based): chr9:70,553,229, G>A on the plus strand (C>T on the coding strand, the complement: TRPM3 is on the minus strand). VCF-style: chr9-70553229-G-A. GRCh37 (hg19) VCF-style: chr9-73168145-G-A.
Other names: c.2780C>T, p.Pro927Leu (NM_206944.5); c.2816C>T, p.Pro939Leu (NM_206945.5); c.2885C>T, p.Pro962Leu (NM_206946.5); c.2855C>T, p.Pro952Leu (NM_206947.5); c.3269C>T, p.Pro1090Leu (NM_001007471.4, NM_001366151.2); c.3275C>T, p.Pro1092Leu (NM_001366141.2, NM_001366143.2, NM_001366149.2); c.3311C>T, p.Pro1104Leu (NM_001366142.2); c.3305C>T, p.Pro1102Leu (NM_001366146.2); and 5 more; short protein forms P1080L, P1090L, P1092L, P1102L, P1104L, P1117L, P1127L, P927L.
Identifiers: ClinVar variation 4532754 (VCV004532754.1).